The following is an entry in ClinVar:

ClinVar aggregate classification (germline): Uncertain significance (1 of 4 stars; one submission).

Submission:

Labcorp Genetics (formerly Invitae), Labcorp
Classification: Uncertain significance. Last evaluated: 2023-09-12. Review status: criteria provided, single submitter. Criteria: Invitae Variant Classification Sherloc (09022015). Collection method: clinical testing. Allele origin: germline.
Comment: In summary, the available evidence is currently insufficient to determine the role of this variant in disease. Therefore, it has been classified as a Variant of Uncertain Significance. Advanced modeling of protein sequence and biophysical properties (such as structural, functional, and spatial information, amino acid conservation, physicochemical variation, residue mobility, and thermodynamic stability) performed at Invitae indicates that this missense variant is expected to disrupt POLE protein function. This variant has not been reported in the literature in individuals affected with POLE-related conditions. This variant is not present in population databases (gnomAD no frequency). This sequence change replaces lysine, which is basic and polar, with threonine, which is neutral and polar, at codon 412 of the POLE protein (p.Lys412Thr).

NM_006231.4(POLE):c.1235A>C (p.Lys412Thr)

Gene: POLE (DNA polymerase epsilon, catalytic subunit; minus strand). Cytogenetic location: 12q24.33.
Variant type: single nucleotide variant.
Coding change: c.1235A>C on transcript NM_006231.4 (MANE Select); coding-DNA position 1235, A replaced by C.
Protein change: p.Lys412Thr; replaces lysine 412 with threonine.
Molecular consequence: missense variant.
Genome position (GRCh38, 1-based): chr12:132,673,699, T>G on the plus strand (A>C on the coding strand, the complement: POLE is on the minus strand). VCF-style: chr12-132673699-T-G. GRCh37 (hg19) VCF-style: chr12-133250285-T-G.
Other names: short protein forms K412T.
Identifiers: ClinVar variation 2760319 (VCV002760319.3), dbSNP rs2136000874, ClinGen allele CA387359740.